The following is an entry in ClinVar:

ClinVar aggregate classification (germline): Uncertain significance (1 of 4 stars; one submission).

Conditions:
Combined immunodeficiency due to DOCK8 deficiency (HIES2). Also called: DOCK8 Deficiency; HYPER-IgE RECURRENT INFECTION SYNDROME 2, AUTOSOMAL RECESSIVE; HYPER-IgE SYNDROME 2, AUTOSOMAL RECESSIVE, WITH RECURRENT INFECTIONS; HIES autosomal recessive; Hyper-IgE recurrent infection syndrome, autosomal recessive. Identifiers: Orphanet 217390, MedGen C4722305, MONDO:0009478, OMIM 243700.

Submission:

Labcorp Genetics (formerly Invitae), Labcorp
Classification: Uncertain significance for Combined immunodeficiency due to DOCK8 deficiency. Last evaluated: 2021-03-10. Review status: criteria provided, single submitter. Criteria: Invitae Variant Classification Sherloc (09022015). Collection method: clinical testing. Allele origin: germline.
Comment: This sequence change replaces leucine with methionine at codon 168 of the DOCK8 protein (p.Leu168Met). The leucine residue is moderately conserved and there is a small physicochemical difference between leucine and methionine. This variant is not present in population databases (ExAC no frequency). This variant has not been reported in the literature in individuals with DOCK8-related conditions. Algorithms developed to predict the effect of missense changes on protein structure and function (SIFT, PolyPhen-2, Align-GVGD) all suggest that this variant is likely to be tolerated, but these predictions have not been confirmed by published functional studies and their clinical significance is uncertain. In summary, the available evidence is currently insufficient to determine the role of this variant in disease. Therefore, it has been classified as a Variant of Uncertain Significance.

NM_203447.4(DOCK8):c.502T>A (p.Leu168Met)

Gene: DOCK8 (dedicator of cytokinesis 8; plus strand). Cytogenetic location: 9p24.3.
Variant type: single nucleotide variant.
Coding change: c.502T>A on transcript NM_203447.4 (MANE Select); coding-DNA position 502, T replaced by A.
Protein change: p.Leu168Met; replaces leucine 168 with methionine.
Molecular consequence: missense variant.
Genome position (GRCh38, 1-based): chr9:304,678, T>A. VCF-style: chr9-304678-T-A. GRCh37 (hg19) VCF-style: chr9-304678-T-A.
Other names: c.298T>A, p.Leu100Met (NM_001190458.2, NM_001193536.2); short protein forms L100M, L168M.
Identifiers: ClinVar variation 1378146 (VCV001378146.8), dbSNP rs2130594554, ClinGen allele CA372758932.